The following is an entry in ClinVar:

NM_152263.4(TPM3):c.175G>A (p.Asp59Asn)

Gene: TPM3 (tropomyosin 3; minus strand). Cytogenetic location: 1q21.3.
Variant type: single nucleotide variant.
Coding change: c.175G>A on transcript NM_152263.4 (MANE Select); coding-DNA position 175, G replaced by A.
Protein change: p.Asp59Asn; replaces aspartic acid 59 with asparagine.
Molecular consequence: missense variant. On other transcripts: non-coding transcript variant (1).
Genome position (GRCh38, 1-based): chr1:154,191,254, C>T on the plus strand (G>A on the coding strand, the complement: TPM3 is on the minus strand). VCF-style: chr1-154191254-C-T. GRCh37 (hg19) VCF-style: chr1-154163730-C-T.
Other names: c.175G>A, p.Asp59Asn (NM_001364679.2, NM_001364680.2, NM_001364681.2 and 1 more transcripts); short protein forms D59N.
Identifiers: ClinVar variation 2585332 (VCV002585332.1), dbSNP rs1558068514, ClinGen allele CA342587195.
Genomic context (GRCh38, chr1:154,191,254, plus strand): 5'-CCTTCTTCTCTGCCAGTTCCAGCTTCTCCTGGGCATCCTTCAAAGCTTCAGAATACTTGT[C>T]CAGCTCATCCTCTGTCCCTTTCAGCTTCTTCTGCATGGCTGCCAGCTCATCCTCCAGCTA-3'
Protein context (NP_689476.2, residues 49-69): KKLKGTEDEL[Asp59Asn]KYSEALKDAQ

ClinVar aggregate classification (germline): Uncertain significance (1 of 4 stars; one submission).

Conditions:
Congenital myopathy 4B, autosomal recessive. Also called: Nemaline myopathy 1, autosomal dominant or recessive. Identifiers: Orphanet 171433, Orphanet 171439, Orphanet 171881, MedGen C5829889, MONDO:0012239, OMIM 609284.

Submission:

Neuberg Centre For Genomic Medicine, NCGM
Classification: Uncertain significance for Congenital myopathy 4B, autosomal recessive. Review status: criteria provided, single submitter. Criteria: ACMG Guidelines, 2015. Collection method: clinical testing. Allele origin: germline. Inheritance: Autosomal dominant inheritance. Affected: yes.
Comment: The missense variant c.175G>A (p.Asp59Asn) in TPM3 gene has not been reported previously as a pathogenic variant nor as a benign variant, to our knowledge. This variant is novel (not in any individuals) in gnomAD Exomes and 1000 Genomes. The amino acid Aspartic acid at position 59 is changed to a Asparagine changing protein sequence and it might alter its composition and physico-chemical properties. The variant is predicted to be damaging by both SIFT and PolyPhen2. The residue is conserved across species. For these reasons, this variant has been classified as Uncertain Significance.